The following is an entry in ClinVar:

NM_006904.7(PRKDC):c.107G>A (p.Arg36His)

Genes: PRKDC (protein kinase, DNA-activated, catalytic subunit; minus strand), LOC129929030 (ATAC-STARR-seq lymphoblastoid silent region 19177; plus strand). Cytogenetic location: 8q11.21.
Variant type: single nucleotide variant.
Coding change: c.107G>A on transcript NM_006904.7 (MANE Select); coding-DNA position 107, G replaced by A.
Protein change: p.Arg36His; replaces arginine 36 with histidine.
Molecular consequence: missense variant.
Genome position (GRCh38, 1-based): chr8:47,960,020, C>T on the plus strand (G>A on the coding strand, the complement: PRKDC is on the minus strand). VCF-style: chr8-47960020-C-T. GRCh37 (hg19) VCF-style: chr8-48872580-C-T.
Other names: c.107G>A, p.Arg36His (NM_001081640.2); short protein forms R36H.
Identifiers: ClinVar variation 2564495 (VCV002564495.2), dbSNP rs2551882727, ClinGen allele CA371142763.

ClinVar aggregate classification (germline): Uncertain significance (1 of 4 stars; one submission).

Allele frequency attached by ClinVar (database versions not stated): gnomAD exomes below 0.00001.
gnomAD v4.1: 1 of 1,534,554 alleles (0.000065%); highest among the groups gnomAD compares: East Asian, 0.0024%; no homozygotes.

Submission:

Ambry Genetics
Classification: Uncertain significance. Last evaluated: 2023-03-18. Review status: criteria provided, single submitter. Criteria: Ambry Variant Classification Scheme 2023. Collection method: clinical testing. Allele origin: germline.
Comment: The p.R36H variant (also known as c.107G>A), located in coding exon 1 of the PRKDC gene, results from a G to A substitution at nucleotide position 107. The arginine at codon 36 is replaced by histidine, an amino acid with highly similar properties. This amino acid position is conserved. In addition, this alteration is predicted to be tolerated by in silico analysis. Since supporting evidence is limited at this time, the clinical significance of this alteration remains unclear.